The following is an entry in ClinVar:

ClinVar aggregate classification (germline): Uncertain significance (1 of 4 stars; one submission).

Conditions:
Welander distal myopathy (WDM). Also called: Gower's muscular dystrophy; MUSCULAR DYSTROPHY, DISTAL, LATE-ONSET, AUTOSOMAL DOMINANT; Welander distal myopathy, Swedish type; Distal myopathy, Swedish type. Identifiers: Orphanet 603, MedGen C0221054, MONDO:0011466, OMIM 604454.

Allele frequency attached by ClinVar (database versions not stated): gnomAD exomes below 0.00001; TOPMed below 0.00001; gnomAD 0.00001.
gnomAD v4.1: 2 of 1,612,644 alleles (0.00012%); highest among the groups gnomAD compares: Non-Finnish European, 0.00017%; no homozygotes.

Submission:

Labcorp Genetics (formerly Invitae), Labcorp
Classification: Uncertain significance for Welander distal myopathy. Last evaluated: 2024-12-17. Review status: criteria provided, single submitter. Criteria: Invitae Variant Classification Sherloc (09022015). Collection method: clinical testing. Allele origin: germline.
Comment: This sequence change replaces alanine, which is neutral and non-polar, with threonine, which is neutral and polar, at codon 62 of the TIA1 protein (p.Ala62Thr). This variant is not present in population databases (gnomAD no frequency). This variant has not been reported in the literature in individuals affected with TIA1-related conditions. ClinVar contains an entry for this variant (Variation ID: 1970220). Invitae Evidence Modeling of protein sequence and biophysical properties (such as structural, functional, and spatial information, amino acid conservation, physicochemical variation, residue mobility, and thermodynamic stability) indicates that this missense variant is not expected to disrupt TIA1 protein function with a negative predictive value of 80%. In summary, the available evidence is currently insufficient to determine the role of this variant in disease. Therefore, it has been classified as a Variant of Uncertain Significance.

NM_022173.4(TIA1):c.184G>A (p.Ala62Thr)

Gene: TIA1 (TIA1 cytotoxic granule associated RNA binding protein; minus strand). Cytogenetic location: 2p13.3.
Variant type: single nucleotide variant.
Coding change: c.184G>A on transcript NM_022173.4 (MANE Select); coding-DNA position 184, G replaced by A.
Protein change: p.Ala62Thr; replaces alanine 62 with threonine.
Molecular consequence: missense variant. On other transcripts: non-coding transcript variant (17), 5 prime UTR variant (6).
Genome position (GRCh38, 1-based): chr2:70,230,794, C>T on the plus strand (G>A on the coding strand, the complement: TIA1 is on the minus strand). VCF-style: chr2-70230794-C-T. GRCh37 (hg19) VCF-style: chr2-70457926-C-T.
Other names: c.184G>A, p.Ala62Thr (NM_001351508.2, NM_001351510.2, NM_001351516.2 and 5 more transcripts); c.190G>A, p.Ala64Thr (NM_001351509.2, NM_001351520.2); c.73G>A, p.Ala25Thr (NM_001351511.1, NM_001351513.1); c.79G>A, p.Ala27Thr (NM_001351512.1); c.-12G>A (NM_001351514.2, NM_001351523.2); c.-206G>A (NM_001351515.2); c.-455G>A (NM_001351517.2); c.-232G>A (NM_001351524.2); and 1 more; short protein forms A25T, A62T, A27T, A64T.
Identifiers: ClinVar variation 1970220 (VCV001970220.5), dbSNP rs1221755597, ClinGen allele CA347157598.